The following is an entry in ClinVar:

NM_000397.4(CYBB):c.1637T>C (p.Leu546Pro)

Gene: CYBB (cytochrome b-245 beta chain; plus strand). Cytogenetic location: Xp11.4.
Variant type: single nucleotide variant.
Coding change: c.1637T>C on transcript NM_000397.4 (MANE Select); coding-DNA position 1637, T replaced by C.
Protein change: p.Leu546Pro; replaces leucine 546 with proline.
Molecular consequence: missense variant.
Genome position (GRCh38, 1-based): chrX:37,810,841, T>C. VCF-style: chrX-37810841-T-C. GRCh37 (hg19) VCF-style: chrX-37670094-T-C.
Other names: short protein forms L546P.
Identifiers: ClinVar variation 68389 (VCV000068389.8), dbSNP rs151344492, ClinGen allele CA219710.
Genomic context (GRCh38, chrX:37,810,841, plus strand): 5'-TTCCCAAAAGTACCAGAATAGGAGTTTTCCTCTGTGGACCTGAAGCCTTGGCTGAAACCC[T>C]GAGTAAACAAAGCATCTCCAACTCTGAGTCTGGCCCTCGGGGAGTGCATTTCATTTTCAA-3'
Protein context (NP_000388.2, residues 536-556): LCGPEALAET[Leu546Pro]SKQSISNSES

ClinVar aggregate classification (germline): Conflicting classifications of pathogenicity. Review status: criteria provided, conflicting classifications (1 of 4 stars). 3 submissions from 3 submitters: Likely pathogenic (1); Uncertain significance (1). 1 of the submissions does not count toward it. Last evaluated 2024-02-26.

Conditions:
Granulomatous disease, chronic, X-linked. Also called: CYTOCHROME b-NEGATIVE GRANULOMATOUS DISEASE, CHRONIC, X-LINKED; GRANULOMATOUS DISEASE, CHRONIC, X-LINKED, SOMATIC MOSAIC. Identifiers: Orphanet 379, MedGen C1844376, MONDO:0010600, OMIM 306400.

Submissions (3):

GeneDx
Classification: Likely pathogenic. Last evaluated: 2024-02-26. Review status: criteria provided, single submitter. Criteria: GeneDx Variant Classification Process June 2021. Collection method: clinical testing. Allele origin: germline. Affected: yes.
Comment: Published functional studies demonstrate a damaging effect: p.(L546P) significantly reduces oxidase and diaphorase activity and inhibits phox translocation (PMID: 20724480); Not observed at significant frequency in large population cohorts (gnomAD); In silico analysis supports that this missense variant has a deleterious effect on protein structure/function; This variant is associated with the following publications: (PMID: 35796921, 21604087, 20724480, 34175765, 10089913)

Labcorp Genetics (formerly Invitae), Labcorp
Classification: Uncertain significance for Granulomatous disease, chronic, X-linked. Last evaluated: 2022-06-27. Review status: criteria provided, single submitter. Criteria: Invitae Variant Classification Sherloc (09022015). Collection method: clinical testing. Allele origin: germline.
Comment: In summary, the available evidence is currently insufficient to determine the role of this variant in disease. Therefore, it has been classified as a Variant of Uncertain Significance. This variant disrupts the p.Leu546 amino acid residue in CYBB. Other variant(s) that disrupt this residue have been observed in individuals with CYBB-related conditions (PMID: 10089913, 21604087), which suggests that this may be a clinically significant amino acid residue. This sequence change replaces leucine, which is neutral and non-polar, with proline, which is neutral and non-polar, at codon 546 of the CYBB protein (p.Leu546Pro). This variant is not present in population databases (gnomAD no frequency). This missense change has been observed in individual(s) with chronic granulomatous disease (PMID: 10089913). ClinVar contains an entry for this variant (Variation ID: 68389). Advanced modeling of protein sequence and biophysical properties (such as structural, functional, and spatial information, amino acid conservation, physicochemical variation, residue mobility, and thermodynamic stability) performed at Invitae indicates that this missense variant is expected to disrupt CYBB protein function.

UniProtKB/Swiss-Prot
No classification provided. Review status: no classification provided. Collection method: not provided. Allele origin: not provided. Not counted in ClinVar's aggregate classification.

Literature cited by the submitters: PubMed 10089913 (cited by Labcorp Genetics (formerly Invitae), Labcorp); PubMed 21604087 (cited by Labcorp Genetics (formerly Invitae), Labcorp).